The following is an entry in ClinVar:

ClinVar aggregate classification (germline): Conflicting classifications of pathogenicity. Review status: criteria provided, conflicting classifications (1 of 4 stars). 6 submissions from 6 submitters: Uncertain significance (4); Likely benign (1). 1 of the submissions does not count toward it. Last evaluated 2025-12-21.

Conditions:
Fanconi anemia (FA). Also called: Fanconi's anemia. Identifiers: Orphanet 84, MedGen C0015625, MeSH D005199, MONDO:0019391.
Fanconi anemia complementation group A (FANCA). Also called: Fanconi anemia, group A; FANCA-Related Fanconi Anemia. Identifiers: Orphanet 84, MedGen C3469521, MONDO:0009215, OMIM 227650.

Allele frequency attached by ClinVar (database versions not stated): TOPMed 0.00002; ExAC 0.00005; gnomAD 0.00006; ESP Exome Variant Server 0.00008.
gnomAD v4.1: 40 of 1,551,202 alleles (0.0026%); highest among the groups gnomAD compares: African/African-American, 0.026%; no homozygotes.

Submissions (6):

Labcorp Genetics (formerly Invitae), Labcorp
Classification: Likely benign for Fanconi anemia. Last evaluated: 2025-12-21. Review status: criteria provided, single submitter. Criteria: Invitae Variant Classification Sherloc (09022015). Collection method: clinical testing. Allele origin: germline.

Mayo Clinic Laboratories, Mayo Clinic
Classification: Uncertain significance. Last evaluated: 2025-04-22. Review status: criteria provided, single submitter. Criteria: ACMG Guidelines, 2015. Collection method: clinical testing. Allele origin: germline. Observed: 1 variant allele.
Comment: BP4

Quest Diagnostics Nichols Institute San Juan Capistrano
Classification: Uncertain significance. Last evaluated: 2023-02-07. Review status: criteria provided, single submitter. Criteria: Quest Diagnostics criteria. Collection method: clinical testing. Allele origin: unknown.
Comment: In the published literature, the variant has been reported in individuals with pancreatic cancer (PMID: 28767289 (2017)) and diffuse large B cell lymphoma (PMID: 23960188 (2013)).The frequency of this variant in the general population, 0.00023 (4/17352 chromosomes), is uninformative in assessment of its pathogenicity. Analysis of this variant using bioinformatics tools for the prediction of the effect of amino acid changes on protein structure and function yielded predictions that this variant is benign. Based on the available information, we are unable to determine the clinical significance of this variant.

Sema4
Classification: Uncertain significance for Fanconi anemia. Last evaluated: 2021-07-05. Review status: criteria provided, single submitter. Criteria: Sema4 Curation Guidelines. Collection method: curation. Allele origin: germline.
Comment: The FANCA c.3962G>A (p.R1321H) variant has been reported in heterozygosity in individuals with pancreatic cancer, diffuse large B-cell lymphoma, and rhabdomyosarcoma (PMID: 28767289, 23960188, 24793135). It was observed in 4/17352 chromosomes of the African/African American subpopulation in the large and broad cohorts of the Genome Aggregation Database. The variant has been reported in ClinVar (Variation ID 456125). In silico tools suggest the impact of the variant on protein function is benign, though these predictions have not been confirmed by functional studies. The evidence is insufficient to meet ACMG/AMP criteria for classifying the variant as benign or pathogenic. Thus, the clinical significance of this variant is currently uncertain.

Fulgent Genetics
Classification: Uncertain significance for Fanconi anemia complementation group A. Last evaluated: 2021-07-02. Review status: criteria provided, single submitter. Criteria: ACMG Guidelines, 2015. Collection method: clinical testing. Allele origin: unknown.

Natera, Inc.
Classification: Uncertain significance for Fanconi anemia. Last evaluated: 2020-02-03. Review status: no assertion criteria provided. Collection method: clinical testing. Allele origin: germline. Not counted in ClinVar's aggregate classification.

Literature cited by the submitters: PubMed 24793135 (cited by Quest Diagnostics Nichols Institute San Juan Capistrano and Sema4); PubMed 23960188 (cited by Quest Diagnostics Nichols Institute San Juan Capistrano and Sema4); PubMed 28767289 (cited by Quest Diagnostics Nichols Institute San Juan Capistrano and Sema4).

NM_000135.4(FANCA):c.3962G>A (p.Arg1321His)

Genes: ZNF276 (zinc finger protein 276; plus strand), FANCA (FA complementation group A; minus strand). Cytogenetic location: 16q24.3.
Variant type: single nucleotide variant.
Coding change: c.3962G>A on transcript NM_000135.4 (MANE Select); coding-DNA position 3962, G replaced by A.
Protein change: p.Arg1321His; replaces arginine 1321 with histidine.
Molecular consequence: missense variant. On other transcripts: 3 prime UTR variant (2), non-coding transcript variant (4).
Genome position (GRCh38, 1-based): chr16:89,739,526, C>T on the plus strand (G>A on the coding strand, the complement: FANCA is on the minus strand). VCF-style: chr16-89739526-C-T. GRCh37 (hg19) VCF-style: chr16-89805934-C-T.
Other names: p.Arg1321His; c.3962G>A (NM_000135.3); c.3962G>A, p.Arg1321His (NM_001286167.3); c.*1280C>T (NM_001113525.2, NM_152287.4); short protein forms R1321H.
Identifiers: ClinVar variation 456125 (VCV000456125.15), dbSNP rs374649848, ClinGen allele CA8250848.